The following is an entry in ClinVar:

NM_015087.5(SPART):c.2001A>T (p.Ter667Cys)

Gene: SPART (spartin; minus strand). Cytogenetic location: 13q13.3.
Variant type: single nucleotide variant.
Coding change: c.2001A>T on transcript NM_015087.5 (MANE Select); coding-DNA position 2001, A replaced by T.
Protein change: p.Ter667Cys.
Molecular consequence: stop lost.
Genome position (GRCh38, 1-based): chr13:36,304,365, T>A on the plus strand (A>T on the coding strand, the complement: SPART is on the minus strand). VCF-style: chr13-36304365-T-A. GRCh37 (hg19) VCF-style: chr13-36878502-T-A.
Other names: c.2001A>T, p.Ter667Cys (NM_001142294.2, NM_001142295.2, NM_001142296.2).
Identifiers: ClinVar variation 2174795 (VCV002174795.4), dbSNP rs746399087, ClinGen allele CA6949235.

ClinVar aggregate classification (germline): Uncertain significance (1 of 4 stars; one submission).

Allele frequency attached by ClinVar (database versions not stated): ExAC 0.00001; gnomAD 0.00001; TOPMed 0.00002.

Submission:

Labcorp Genetics (formerly Invitae), Labcorp
Classification: Uncertain significance. Last evaluated: 2022-08-01. Review status: criteria provided, single submitter. Criteria: Invitae Variant Classification Sherloc (09022015). Collection method: clinical testing. Allele origin: germline.
Comment: This variant has not been reported in the literature in individuals affected with SPART-related conditions. In summary, the available evidence is currently insufficient to determine the role of this variant in disease. Therefore, it has been classified as a Variant of Uncertain Significance. This variant is present in population databases (rs746399087, gnomAD 0.008%). This sequence change disrupts the translational stop signal of the SPART mRNA. It is expected to extend the length of the SPART protein by 1 additional amino acid residues.